The following is an entry in ClinVar:

ClinVar aggregate classification (germline): Conflicting classifications of pathogenicity. Review status: criteria provided, conflicting classifications (1 of 4 stars). 12 submissions from 12 submitters: Uncertain significance (10); Likely benign (2). Last evaluated 2026-07-14.

Conditions:
Inherited breast cancer and ovarian cancer.
Hereditary cancer-predisposing syndrome. Also called: Neoplastic Syndromes, Hereditary; Hereditary Cancer Syndrome; Tumor predisposition; Hereditary neoplastic syndrome. Identifiers: Orphanet 140162, MedGen C0027672, MeSH D009386, MONDO:0015356.
Familial cancer of breast. Also called: Hereditary breast cancer; hereditary breast carcinoma; BREAST CANCER, FAMILIAL. Identifiers: Orphanet 227535, MedGen C0346153, MONDO:0016419, OMIM 114480. Disease mechanism: loss of function.
Pancreatic cancer, susceptibility to, 3. Identifiers: Orphanet 1333, MedGen C3150547, MONDO:0013236, OMIM 613348.
Fanconi anemia complementation group N. Also called: PALB2-Related Fanconi Anemia. Identifiers: Orphanet 84, MedGen C1835817, MONDO:0012565, OMIM 610832. Disease mechanism: loss of function.

Allele frequency attached by ClinVar (database versions not stated): ExAC 0.00002; gnomAD exomes 0.00002; TOPMed 0.00002; gnomAD 0.00003 and 0.00004.
gnomAD v4.1: 12 of 1,613,592 alleles (0.00074%); highest among the groups gnomAD compares: African/African-American, 0.016%; no homozygotes.

Submissions (12):

Cambridge Genomics Laboratory, East Genomic Laboratory Hub, NHS Genomic Medicine Service
Classification: Uncertain significance for Inherited breast cancer and ovarian cancer. Last evaluated: 2026-07-14. Review status: criteria provided, single submitter. Criteria: ACGS Best Practice Guidelines for Variant Classification in Rare Disease 2020. Collection method: clinical testing. Allele origin: germline. Affected: yes.

Labcorp Genetics (formerly Invitae), Labcorp
Classification: Uncertain significance for Familial cancer of breast. Last evaluated: 2025-12-30. Review status: criteria provided, single submitter. Criteria: Invitae Variant Classification Sherloc (09022015). Collection method: clinical testing. Allele origin: germline.
Comment: This sequence change replaces glycine, which is neutral and non-polar, with serine, which is neutral and polar, at codon 853 of the PALB2 protein (p.Gly853Ser). This variant is present in population databases (rs587782579, gnomAD 0.02%). This variant has not been reported in the literature in individuals affected with PALB2-related conditions. ClinVar contains an entry for this variant (Variation ID: 142600). Invitae Evidence Modeling of protein sequence and biophysical properties (such as structural, functional, and spatial information, amino acid conservation, physicochemical variation, residue mobility, and thermodynamic stability) has been performed for this missense variant. However, the output from this modeling did not meet the statistical confidence thresholds required to predict the impact of this variant on PALB2 protein function. In summary, the available evidence is currently insufficient to determine the role of this variant in disease. Therefore, it has been classified as a Variant of Uncertain Significance.

Ambry Genetics
Classification: Likely benign for Hereditary cancer-predisposing syndrome. Last evaluated: 2025-09-10. Review status: criteria provided, single submitter. Criteria: Ambry Variant Classification Scheme 2023. Collection method: clinical testing. Allele origin: germline.

Myriad Genetics, Inc.
Classification: Likely benign for Familial cancer of breast. Last evaluated: 2025-01-16. Review status: criteria provided, single submitter. Criteria: Myriad Autosomal Dominant, Autosomal Recessive and X-Linked Classification Criteria (2023). Collection method: clinical testing. Allele origin: unknown.
Comment: This variant is considered likely benign. This variant is strongly associated with less severe personal and family histories of cancer, typical for individuals without pathogenic variants in this gene [PMID: 25085752].

Baylor Genetics
Classification: Uncertain significance for Familial cancer of breast. Last evaluated: 2024-02-09. Review status: criteria provided, single submitter. Criteria: ACMG Guidelines, 2015. Collection method: clinical testing. Allele origin: unknown.

GeneDx
Classification: Uncertain significance. Last evaluated: 2023-05-26. Review status: criteria provided, single submitter. Criteria: GeneDx Variant Classification Process June 2021. Collection method: clinical testing. Allele origin: germline. Affected: yes.
Comment: In silico analysis supports that this missense variant has a deleterious effect on protein structure/function; Has not been previously published as pathogenic or benign to our knowledge; This variant is associated with the following publications: (PMID: 20871615, 19609323, 24485656)

Color Diagnostics, LLC DBA Color Health
Classification: Uncertain significance for Hereditary cancer-predisposing syndrome. Last evaluated: 2023-02-07. Review status: criteria provided, single submitter. Criteria: ACMG Guidelines, 2015. Collection method: clinical testing. Allele origin: germline.
Comment: This missense variant replaces glycine with serine at codon 853 of the PALB2 protein. Computational prediction suggests that this variant may not impact protein structure and function (internally defined REVEL score threshold <= 0.5, PMID: 27666373). To our knowledge, functional studies have not been reported for this variant. This variant has been reported in one individual affected with prostate cancer (PMID: 28259476). This variant has been identified in 7/282682 chromosomes in the general population by the Genome Aggregation Database (gnomAD). The available evidence is insufficient to determine the role of this variant in disease conclusively. Therefore, this variant is classified as a Variant of Uncertain Significance.

Women's Health and Genetics/Laboratory Corporation of America, LabCorp
Classification: Uncertain significance. Last evaluated: 2022-08-19. Review status: criteria provided, single submitter. Criteria: LabCorp Variant Classification Summary - May 2015. Collection method: clinical testing. Allele origin: germline.

Fulgent Genetics
Classification: Uncertain significance for Familial cancer of breast; Fanconi anemia complementation group N; Pancreatic cancer, susceptibility to, 3. Last evaluated: 2021-09-15. Review status: criteria provided, single submitter. Criteria: ACMG Guidelines, 2015. Collection method: clinical testing. Allele origin: unknown.

Quest Diagnostics Nichols Institute San Juan Capistrano
Classification: Uncertain significance. Last evaluated: 2020-12-10. Review status: criteria provided, single submitter. Criteria: Quest Diagnostics criteria. Collection method: clinical testing. Allele origin: unknown.

Blueprint Genetics
Classification: Uncertain significance. Last evaluated: 2020-02-20. Review status: criteria provided, single submitter. Criteria: ACMG Guidelines, 2015. Collection method: clinical testing. Allele origin: germline.

Division of Medical Genetics, University of Washington
Classification: Uncertain significance for Familial cancer of breast. Last evaluated: 2019-09-24. Review status: criteria provided, single submitter. Criteria: ACMG Guidelines, 2015. Collection method: clinical testing. Allele origin: germline. Affected: no. Study: CSER_CHARM.
Comment: To our knowledge, this sequence variant has not been previously reported in the literature. This variant has an overall allele frequency of 0.00002 in the Broad Institute gnomAD Browser. Thus, it is unknown at this time whether this variant increases cancer risk.

Literature cited by the submitters: PubMed 25085752 (cited by Myriad Genetics, Inc.); PubMed 28259476 (cited by Color Diagnostics, LLC DBA Color Health).

NM_024675.4(PALB2):c.2557G>A (p.Gly853Ser)

Gene: PALB2 (partner and localizer of BRCA2; minus strand). Cytogenetic location: 16p12.2.
Variant type: single nucleotide variant.
Coding change: c.2557G>A on transcript NM_024675.4 (MANE Select); coding-DNA position 2557, G replaced by A.
Protein change: p.Gly853Ser; replaces glycine 853 with serine.
Molecular consequence: missense variant.
Genome position (GRCh38, 1-based): chr16:23,629,233, C>T on the plus strand (G>A on the coding strand, the complement: PALB2 is on the minus strand). VCF-style: chr16-23629233-C-T. GRCh37 (hg19) VCF-style: chr16-23640554-C-T.
Other names: short protein forms G853S.
Identifiers: ClinVar variation 142600 (VCV000142600.31), dbSNP rs587782579, ClinGen allele CA168790.